The following is an entry in ClinVar:

ClinVar aggregate classification (germline): Uncertain significance. Review status: criteria provided, multiple submitters, no conflicts (2 of 4 stars). 2 submissions from 2 submitters: Uncertain significance (2). Last evaluated 2025-10-17.

Conditions:
Hajdu-Cheney syndrome (HJCYS). Also called: ACROOSTEOLYSIS WITH OSTEOPOROSIS AND CHANGES IN SKULL AND MANDIBLE; SERPENTINE FIBULA-POLYCYSTIC KIDNEY SYNDROME; Acroosteolysis dominant type. Identifiers: Orphanet 955, MedGen C0917715, MONDO:0007057, OMIM 102500.

Submissions (2):

Labcorp Genetics (formerly Invitae), Labcorp
Classification: Uncertain significance for Hajdu-Cheney syndrome. Last evaluated: 2025-10-17. Review status: criteria provided, single submitter. Criteria: Invitae Variant Classification Sherloc (09022015). Collection method: clinical testing. Allele origin: germline.
Comment: This variant, c.2271_2272insGAATGCCTTTCG, is a complex sequence change that results in the deletion of 2 and insertion of 4 amino acid(s) in the NOTCH2 protein (p.Asp757_Lys758insGluCysLeuSer). This variant is not present in population databases (gnomAD no frequency). This variant has not been reported in the literature in individuals affected with NOTCH2-related conditions. ClinVar contains an entry for this variant (Variation ID: 4074646). In summary, the available evidence is currently insufficient to determine the role of this variant in disease. Therefore, it has been classified as a Variant of Uncertain Significance.

GeneDx
Classification: Uncertain significance. Last evaluated: 2025-02-06. Review status: criteria provided, single submitter. Criteria: GeneDx Variant Classification Process June 2021. Collection method: clinical testing. Allele origin: germline. Affected: yes.
Comment: Not observed at significant frequency in large population cohorts (gnomAD); In-frame insertion of 4 amino acids in a non-repeat region; In silico analysis indicates that this variant does not alter splicing; Has not been previously published as pathogenic or benign to our knowledge

NM_024408.4(NOTCH2):c.2271_2272insGAATGCCTTTCG (p.Asp757_Lys758insGluCysLeuSer)

Gene: NOTCH2 (notch receptor 2; minus strand). Cytogenetic location: 1p12.
Variant type: Insertion.
Coding change: c.2271_2272insGAATGCCTTTCG on transcript NM_024408.4 (MANE Select); coding-DNA positions 2271 to 2272, GAATGCCTTTCG inserted.
Protein change: p.Asp757_Lys758insGluCysLeuSer.
Molecular consequence: inframe insertion.
Genome position: GRCh38 VCF-style: chr1-119953636-T-TCGAAAGGCATTC. GRCh37 (hg19) VCF-style: chr1-120496259-T-TCGAAAGGCATTC.
Other names: c.2271_2272insGAATGCCTTTCG, p.Asp757_Lys758insGluCysLeuSer (NM_001200001.2).
Identifiers: ClinVar variation 4074646 (VCV004074646.2).